The following is an entry in ClinVar:

ClinVar aggregate classification (germline): Likely benign (1 of 4 stars; one submission).

Allele frequency attached by ClinVar (database versions not stated): ExAC 0.00001; gnomAD exomes 0.00001.
gnomAD v4.1: 7 of 1,611,150 alleles (0.00043%); highest among the groups gnomAD compares: East Asian, 0.016%; no homozygotes.

Submission:

GeneDx
Classification: Likely benign. Last evaluated: 2016-03-09. Review status: criteria provided, single submitter. Criteria: GeneDx Variant Classification (06012015). Collection method: clinical testing. Allele origin: germline. Affected: yes.
Comment: This variant is considered likely benign or benign based on one or more of the following criteria: it is a conservative change, it occurs at a poorly conserved position in the protein, it is predicted to be benign by multiple in silico algorithms, and/or has population frequency not consistent with disease.

NM_013296.5(GPSM2):c.993A>T (p.Ala331=)

Gene: GPSM2 (G protein signaling modulator 2; plus strand). Cytogenetic location: 1p13.3.
Variant type: single nucleotide variant.
Coding change: c.993A>T on transcript NM_013296.5 (MANE Select); coding-DNA position 993, A replaced by T.
Protein change: p.Ala331=; no amino-acid change (alanine 331 retained).
Molecular consequence: synonymous variant.
Genome position (GRCh38, 1-based): chr1:108,903,165, A>T. VCF-style: chr1-108903165-A-T. GRCh37 (hg19) VCF-style: chr1-109445787-A-T.
Other names: c.993A>T, p.Ala331= (NM_001321038.2, NM_001321039.3).
Identifiers: ClinVar variation 384392 (VCV000384392.1), dbSNP rs745585012, ClinGen allele CA982941.